The following is an entry in ClinVar:

ClinVar aggregate classification (germline): Pathogenic (0 of 4 stars; one submission).

Conditions:
Parkinsonian disorder. Also called: Parkinsonism. Identifiers: MedGen C0242422, MONDO:0021095, HP:0001300.

Allele frequency attached by ClinVar (database versions not stated): gnomAD exomes below 0.00001.
gnomAD v4.1: 1 of 1,614,064 alleles (0.000062%); highest among the groups gnomAD compares: Non-Finnish European, 0.000085%; no homozygotes.

Submission:

Geriatric Neurology, Shaanxi Provincial People's Hospital
Classification: Pathogenic for Parkinsonian disorder. Review status: no assertion criteria provided. Collection method: clinical testing. Allele origin: unknown. Affected: yes.
Comment: The GRN gene mutation has been reported to be associated with different neurodegenerative diseases. Here we identified a new missense mutation (c.52A>G ) of the GRN gene at the chr17:42426584 causing Parkinsonism in Chinese.

NM_002087.4(GRN):c.52A>G (p.Thr18Ala)

Gene: GRN (granulin precursor; plus strand). Cytogenetic location: 17q21.31.
Variant type: single nucleotide variant.
Coding change: c.52A>G on transcript NM_002087.4 (MANE Select); coding-DNA position 52, A replaced by G.
Protein change: p.Thr18Ala; replaces threonine 18 with alanine.
Molecular consequence: missense variant.
Genome position (GRCh38, 1-based): chr17:44,349,216, A>G. VCF-style: chr17-44349216-A-G. GRCh37 (hg19) VCF-style: chr17-42426584-A-G.
Other names: short protein forms T18A.
Identifiers: ClinVar variation 1687738 (VCV001687738.3), dbSNP rs1003823098, ClinGen allele CA290922172.
Genomic context (GRCh38, chr17:44,349,216, plus strand): 5'-AGGCAGACCATGTGGACCCTGGTGAGCTGGGTGGCCTTAACAGCAGGGCTGGTGGCTGGA[A>G]CGCGGTGCCCAGATGGTCAGTTCTGCCCTGTGGCCTGCTGCCTGGACCCCGGAGGAGCCA-3'
Protein context (NP_002078.1, residues 8-28): VALTAGLVAG[Thr18Ala]RCPDGQFCPV